The following is an entry in ClinVar:

ClinVar aggregate classification (germline): Pathogenic/Likely pathogenic. Review status: criteria provided, multiple submitters, no conflicts (2 of 4 stars). 2 submissions from 2 submitters: Pathogenic (1); Likely pathogenic (1). Last evaluated 2026-01-11.

Conditions:
COL2A1-related disorder. Also called: COL2A1-related condition; COL2A1-related disorders.

Submissions (2):

3billion
Classification: Likely pathogenic for COL2A1-related disorder. Last evaluated: 2026-01-11. Review status: criteria provided, single submitter. Criteria: ACMG Guidelines, 2015. Collection method: clinical testing. Allele origin: germline. Affected: yes.
Comment: The variant is not observed in the gnomAD v4.1.0 dataset. Predicted Consequence/Location: The variant is located in a mutational hot spot and/or well-established functional domain in which established pathogenic variants have been reported (PMID: 26626311). In silico tool predictions suggest damaging effect of the variant on gene or gene product [REVEL: 0.99 (>=0.6, sensitivity 0.68 and specificity 0.92); 3Cnet: 0.99 (> 0.75, sensitivity 0.96 and precision 0.92)]. The same nucleotide change resulting in the same amino acid change has been previously reported to be associated with COL2A1-related disorder (PMID: 26250472).A different missense change at the same codon (p.Gly600Val) has been reported to be associated with COL2A1-related disorder (ClinVar ID: VCV000196016 /PMID: 22791362). Therefore, this variant is classified as Likely pathogenic according to the recommendation of ACMG/AMP guideline.

Labcorp Genetics (formerly Invitae), Labcorp
Classification: Pathogenic. Last evaluated: 2025-03-13. Review status: criteria provided, single submitter. Criteria: Invitae Variant Classification Sherloc (09022015). Collection method: clinical testing. Allele origin: germline.
Comment: This sequence change replaces glycine, which is neutral and non-polar, with aspartic acid, which is acidic and polar, at codon 600 of the COL2A1 protein (p.Gly600Asp). This variant is not present in population databases (gnomAD no frequency). This missense change has been observed in individual(s) with COL2A1-related conditions (PMID: 26250472). In at least one individual the variant was observed to be de novo. Invitae Evidence Modeling of protein sequence and biophysical properties (such as structural, functional, and spatial information, amino acid conservation, physicochemical variation, residue mobility, and thermodynamic stability) indicates that this missense variant is expected to disrupt COL2A1 protein function with a positive predictive value of 95%. This variant disrupts the triple helix domain of COL2A1. Glycine residues within the Gly-Xaa-Yaa repeats of the triple helix domain are required for the structure and stability of fibrillar collagens (PMID: 7695699, 8218237, 19344236). In COL2A1, variants affecting these glycine residues are significantly enriched in individuals with disease (PMID: 9016532, 17078022) compared to the general population (ExAC). For these reasons, this variant has been classified as Pathogenic.

Literature cited by the submitters: PubMed 26250472 (cited by 3billion and Labcorp Genetics (formerly Invitae), Labcorp); PubMed 22791362 (cited by 3billion); PubMed 7695699 (cited by Labcorp Genetics (formerly Invitae), Labcorp); PubMed 8218237 (cited by Labcorp Genetics (formerly Invitae), Labcorp); PubMed 19344236 (cited by Labcorp Genetics (formerly Invitae), Labcorp); PubMed 9016532 (cited by Labcorp Genetics (formerly Invitae), Labcorp); PubMed 17078022 (cited by Labcorp Genetics (formerly Invitae), Labcorp).

NM_001844.5(COL2A1):c.1799G>A (p.Gly600Asp)

Gene: COL2A1 (collagen type II alpha 1 chain; minus strand). Cytogenetic location: 12q13.11.
Variant type: single nucleotide variant.
Coding change: c.1799G>A on transcript NM_001844.5 (MANE Select); coding-DNA position 1799, G replaced by A.
Protein change: p.Gly600Asp; replaces glycine 600 with aspartic acid.
Molecular consequence: missense variant.
Genome position (GRCh38, 1-based): chr12:47,985,029, C>T on the plus strand (G>A on the coding strand, the complement: COL2A1 is on the minus strand). VCF-style: chr12-47985029-C-T. GRCh37 (hg19) VCF-style: chr12-48378812-C-T.
Other names: c.1592G>A, p.Gly531Asp (NM_033150.3); short protein forms G600D, G531D.
Identifiers: ClinVar variation 4709943 (VCV004709943.2).